The following is an entry in ClinVar:

ClinVar aggregate classification (germline): Uncertain significance (1 of 4 stars; one submission).

Submission:

Labcorp Genetics (formerly Invitae), Labcorp
Classification: Uncertain significance. Last evaluated: 2023-05-23. Review status: criteria provided, single submitter. Criteria: Invitae Variant Classification Sherloc (09022015). Collection method: clinical testing. Allele origin: germline.
Comment: In summary, the available evidence is currently insufficient to determine the role of this variant in disease. Therefore, it has been classified as a Variant of Uncertain Significance. An algorithm developed to predict the effect of missense changes on protein structure and function (PolyPhen-2) suggests that this variant is likely to be tolerated. ClinVar contains an entry for this variant (Variation ID: 1483876). This variant has not been reported in the literature in individuals affected with TK2-related conditions. This variant is not present in population databases (gnomAD no frequency). This sequence change replaces lysine, which is basic and polar, with threonine, which is neutral and polar, at codon 50 of the TK2 protein (p.Lys50Thr).

NM_004614.5(TK2):c.149A>C (p.Lys50Thr)

Gene: TK2 (thymidine kinase 2; minus strand). Cytogenetic location: 16q21.
Variant type: single nucleotide variant.
Coding change: c.149A>C on transcript NM_004614.5 (MANE Select); coding-DNA position 149, A replaced by C.
Protein change: p.Lys50Thr; replaces lysine 50 with threonine.
Molecular consequence: missense variant. On other transcripts: 5 prime UTR variant (2), non-coding transcript variant (1).
Genome position (GRCh38, 1-based): chr16:66,548,985, T>G on the plus strand (A>C on the coding strand, the complement: TK2 is on the minus strand). VCF-style: chr16-66548985-T-G. GRCh37 (hg19) VCF-style: chr16-66582888-T-G.
Other names: c.56A>C, p.Lys19Thr (NM_001172643.1, NM_001271935.1); c.149A>C, p.Lys50Thr (NM_001172644.2, NM_001172645.2); c.-94A>C (NM_001271934.2); c.-143A>C (NM_001272050.2); short protein forms K19T, K50T.
Identifiers: ClinVar variation 1483876 (VCV001483876.6), dbSNP rs2144492174, ClinGen allele CA396193258.